The following is an entry in ClinVar:

ClinVar aggregate classification (germline): Benign/Likely benign. Review status: criteria provided, multiple submitters, no conflicts (2 of 4 stars). 2 submissions from 2 submitters: Benign (1); Likely benign (1). Last evaluated 2025-05-18.

Allele frequency attached by ClinVar (database versions not stated): gnomAD 0.00003 and 0.00004; TOPMed 0.00004; ExAC 0.00008.

Submissions (2):

Labcorp Genetics (formerly Invitae), Labcorp
Classification: Benign. Last evaluated: 2025-05-18. Review status: criteria provided, single submitter. Criteria: Invitae Variant Classification Sherloc (09022015). Collection method: clinical testing. Allele origin: germline.

CeGaT Center for Human Genetics Tuebingen
Classification: Likely benign. Last evaluated: 2025-02-01. Review status: criteria provided, single submitter. Criteria: CeGaT Center For Human Genetics Tuebingen Variant Classification Criteria Version 2. Collection method: clinical testing. Allele origin: germline. Affected: yes. Observed: 1 variant allele.
Comment: FKBP10: BP4, BP7

NM_021939.4(FKBP10):c.426C>T (p.Phe142=)

Gene: FKBP10 (FKBP prolyl isomerase 10; plus strand). Cytogenetic location: 17q21.2.
Variant type: single nucleotide variant.
Coding change: c.426C>T on transcript NM_021939.4 (MANE Select); coding-DNA position 426, C replaced by T.
Protein change: p.Phe142=; no amino-acid change (phenylalanine 142 retained).
Molecular consequence: synonymous variant.
Genome position (GRCh38, 1-based): chr17:41,818,123, C>T. VCF-style: chr17-41818123-C-T. GRCh37 (hg19) VCF-style: chr17-39974375-C-T.
Identifiers: ClinVar variation 1593081 (VCV001593081.21), dbSNP rs782229433, ClinGen allele CA8566243.